The following is an entry in ClinVar:

ClinVar aggregate classification (germline): Benign/Likely benign. Review status: criteria provided, multiple submitters, no conflicts (2 of 4 stars). 3 submissions from 3 submitters: Benign (1); Likely benign (2). Last evaluated 2025-10-29.

Conditions:
Hereditary cancer-predisposing syndrome. Also called: Neoplastic Syndromes, Hereditary; Hereditary Cancer Syndrome; Hereditary neoplastic syndrome; Tumor predisposition. Identifiers: Orphanet 140162, MedGen C0027672, MeSH D009386, MONDO:0015356.
Familial cancer of breast. Also called: hereditary breast carcinoma; BREAST CANCER, FAMILIAL; Hereditary breast cancer. Identifiers: Orphanet 227535, MedGen C0346153, MONDO:0016419, OMIM 114480. Disease mechanism: loss of function.
Ataxia-telangiectasia syndrome (AT). Also called: ATAXIA-TELANGIECTASIA, COMPLEMENTATION GROUP A; ATAXIA-TELANGIECTASIA, FRESNO VARIANT; Ataxia-telangiectasia, complementation group E; Ataxia telangiectasia (A-T); LOUIS-BAR SYNDROME; Cerebello-oculocutaneous telangiectasia. Identifiers: Orphanet 100, MedGen C0004135, MONDO:0008840, OMIM 208900.

Allele frequency attached by ClinVar (database versions not stated): gnomAD below 0.00001 and 0.00001; ExAC 0.00001.
gnomAD v4.1: 3 of 1,607,214 alleles (0.00019%); highest among the groups gnomAD compares: East Asian, 0.0022%; no homozygotes.

Submissions (3):

Labcorp Genetics (formerly Invitae), Labcorp
Classification: Likely benign for Ataxia-telangiectasia syndrome. Last evaluated: 2025-10-29. Review status: criteria provided, single submitter. Criteria: Invitae Variant Classification Sherloc (09022015). Collection method: clinical testing. Allele origin: germline.

Myriad Genetics, Inc.
Classification: Benign for Familial cancer of breast. Last evaluated: 2024-05-14. Review status: criteria provided, single submitter. Criteria: Myriad Autosomal Dominant, Autosomal Recessive and X-Linked Classification Criteria (2023). Collection method: clinical testing. Allele origin: unknown.
Comment: This variant is considered benign. This variant is a silent/synonymous amino acid change and it is not expected to impact splicing.

Ambry Genetics
Classification: Likely benign for Hereditary cancer-predisposing syndrome. Last evaluated: 2018-08-31. Review status: criteria provided, single submitter. Criteria: Ambry Variant Classification Scheme 2023. Collection method: clinical testing. Allele origin: germline.

NM_000051.4(ATM):c.3405C>T (p.Ser1135=)

Gene: ATM (ATM serine/threonine kinase; plus strand). Cytogenetic location: 11q22.3.
Variant type: single nucleotide variant.
Coding change: c.3405C>T on transcript NM_000051.4 (MANE Select); coding-DNA position 3405, C replaced by T.
Protein change: p.Ser1135=; no amino-acid change (serine 1135 retained).
Molecular consequence: synonymous variant.
Genome position (GRCh38, 1-based): chr11:108,280,997, C>T. VCF-style: chr11-108280997-C-T. GRCh37 (hg19) VCF-style: chr11-108151724-C-T.
Other names: c.3405C>T, p.Ser1135= (NM_001351834.2).
Identifiers: ClinVar variation 823736 (VCV000823736.15), dbSNP rs746829748, ClinGen allele CA6265291.
Genomic context (GRCh38, chr11:108,280,997, plus strand): 5'-AATTGATTGTTAAACATTTACATTTTACATTACATTTTTTTTTTAATTTCTTTTTAAGTC[C>T]CATAGTGCTGAGAACCCTGAAACTTTGGATGAAATTTATAATAGAAAATCTGTTTTACTG-3'
Protein context (NP_000042.3, residues 1125-1145): LKAQEGMREM[Ser1135=]HSAENPETLD